The following is an entry in ClinVar:

NM_005529.7(HSPG2):c.10317G>T (p.Gln3439His)

Gene: HSPG2 (heparan sulfate proteoglycan 2; minus strand). Cytogenetic location: 1p36.12.
Variant type: single nucleotide variant.
Coding change: c.10317G>T on transcript NM_005529.7 (MANE Select); coding-DNA position 10317, G replaced by T.
Protein change: p.Gln3439His; replaces glutamine 3439 with histidine.
Molecular consequence: missense variant.
Genome position (GRCh38, 1-based): chr1:21,836,840, C>A on the plus strand (G>T on the coding strand, the complement: HSPG2 is on the minus strand). VCF-style: chr1-21836840-C-A. GRCh37 (hg19) VCF-style: chr1-22163333-C-A.
Other names: c.10320G>T, p.Gln3440His (NM_001291860.2); short protein forms Q3439H, Q3440H.
Identifiers: ClinVar variation 2793295 (VCV002793295.3), dbSNP rs937765818, ClinGen allele CA19100917.

ClinVar aggregate classification (germline): Uncertain significance (1 of 4 stars; one submission).

Allele frequency attached by ClinVar (database versions not stated): gnomAD 0.00001; gnomAD exomes 0.00002; TOPMed 0.00002.
gnomAD v4.1: 33 of 1,580,276 alleles (0.0021%); highest among the groups gnomAD compares: East Asian, 0.074%; no homozygotes.

Submission:

Labcorp Genetics (formerly Invitae), Labcorp
Classification: Uncertain significance. Last evaluated: 2023-08-03. Review status: criteria provided, single submitter. Criteria: Invitae Variant Classification Sherloc (09022015). Collection method: clinical testing. Allele origin: germline.
Comment: In summary, the available evidence is currently insufficient to determine the role of this variant in disease. Therefore, it has been classified as a Variant of Uncertain Significance. An algorithm developed to predict the effect of missense changes on protein structure and function (PolyPhen-2) suggests that this variant is likely to be tolerated. This variant has not been reported in the literature in individuals affected with HSPG2-related conditions. The frequency data for this variant in the population databases is considered unreliable, as metrics indicate poor data quality at this position in the gnomAD database. This sequence change replaces glutamine, which is neutral and polar, with histidine, which is basic and polar, at codon 3439 of the HSPG2 protein (p.Gln3439His).